The following is an entry in ClinVar:

ClinVar aggregate classification (germline): Uncertain significance. Review status: criteria provided, multiple submitters, no conflicts (2 of 4 stars). 2 submissions from 2 submitters: Uncertain significance (2). Last evaluated 2025-12-20.

Conditions:
Charcot-Marie-Tooth disease type 2. Also called: Charcot-Marie-Tooth type 2. Identifiers: Orphanet 64746, MedGen C0270914, MONDO:0018993.

Allele frequency attached by ClinVar (database versions not stated): ExAC 0.00002; gnomAD exomes below 0.00001; TOPMed below 0.00001; 1000 Genomes Project 0.00020; 1000 Genomes Project 30x 0.00031; gnomAD 0.00001.
gnomAD v4.1: 6 of 1,613,712 alleles (0.00037%); highest among the groups gnomAD compares: East Asian, 0.0022%; no homozygotes.

Submissions (2):

Labcorp Genetics (formerly Invitae), Labcorp
Classification: Uncertain significance for Charcot-Marie-Tooth disease type 2. Last evaluated: 2025-12-20. Review status: criteria provided, single submitter. Criteria: Invitae Variant Classification Sherloc (09022015). Collection method: clinical testing. Allele origin: germline.
Comment: This sequence change replaces arginine, which is basic and polar, with glutamine, which is neutral and polar, at codon 519 of the KIF1B protein (p.Arg519Gln). This variant is present in population databases (rs201531774, gnomAD 0.0009%). This variant has not been reported in the literature in individuals affected with KIF1B-related conditions. ClinVar contains an entry for this variant (Variation ID: 1775160). An algorithm developed to predict the effect of missense changes on protein structure and function (PolyPhen-2) suggests that this variant is likely to be tolerated. In summary, the available evidence is currently insufficient to determine the role of this variant in disease. Therefore, it has been classified as a Variant of Uncertain Significance.

Ambry Genetics
Classification: Uncertain significance. Last evaluated: 2023-04-18. Review status: criteria provided, single submitter. Criteria: Ambry Variant Classification Scheme 2023. Collection method: clinical testing. Allele origin: germline.
Comment: The p.R519Q variant (also known as c.1556G>A), located in coding exon 16 of the KIF1B gene, results from a G to A substitution at nucleotide position 1556. The arginine at codon 519 is replaced by glutamine, an amino acid with highly similar properties. This amino acid position is well conserved in available vertebrate species. In addition, the in silico prediction for this alteration is inconclusive. Since supporting evidence is limited at this time, the clinical significance of this alteration remains unclear.

NM_001365951.3(KIF1B):c.1694G>A (p.Arg565Gln)

Gene: KIF1B (kinesin family member 1B; plus strand). Cytogenetic location: 1p36.22.
Variant type: single nucleotide variant.
Coding change: c.1694G>A on transcript NM_001365951.3 (MANE Select); coding-DNA position 1694, G replaced by A.
Protein change: p.Arg565Gln; replaces arginine 565 with glutamine.
Molecular consequence: missense variant.
Genome position (GRCh38, 1-based): chr1:10,295,683, G>A. VCF-style: chr1-10295683-G-A. GRCh37 (hg19) VCF-style: chr1-10355741-G-A.
Other names: c.1694G>A, p.Arg565Gln (NM_001365952.1); c.1556G>A, p.Arg519Gln (NM_001365953.1, NM_015074.3, NM_183416.4); short protein forms R519Q, R565Q.
Identifiers: ClinVar variation 1775160 (VCV001775160.8), dbSNP rs201531774, ClinGen allele CA581055.